The following is an entry in ClinVar:

NM_003334.4(UBA1):c.62C>T (p.Ser21Phe)

Genes: UBA1 (ubiquitin like modifier activating enzyme 1; plus strand), LOC126863253 (CDK7 strongly-dependent group 2 enhancer GRCh37_chrX:47057593-47058792; plus strand). Cytogenetic location: Xp11.3.
Variant type: single nucleotide variant.
Coding change: c.62C>T on transcript NM_003334.4 (MANE Select); coding-DNA position 62, C replaced by T.
Protein change: p.Ser21Phe; replaces serine 21 with phenylalanine.
Molecular consequence: missense variant.
Genome position (GRCh38, 1-based): chrX:47,198,864, C>T. VCF-style: chrX-47198864-C-T. GRCh37 (hg19) VCF-style: chrX-47058263-C-T.
Other names: c.62C>T, p.Ser21Phe (NM_153280.3); short protein forms S21F.
Identifiers: ClinVar variation 3671673 (VCV003671673.2).
Genomic context (GRCh38, chrX:47,198,864, plus strand): 5'-TGTCCAGCTCGCCGCTGTCCAAGAAACGTCGCGTGTCCGGGCCTGATCCAAAGCCGGGTT[C>T]TAACTGCTCCCCTGCCCAGTCCGTGTTGTCCGAAGTGCCCTCGGTGCCAACCAACGTGAG-3'
Protein context (NP_003325.2, residues 11-31): RVSGPDPKPG[Ser21Phe]NCSPAQSVLS

ClinVar aggregate classification (germline): Uncertain significance (1 of 4 stars; one submission).

Conditions:
Infantile-onset X-linked spinal muscular atrophy. Also called: ARTHROGRYPOSIS, X-LINKED, TYPE I; SPINAL MUSCULAR ATROPHY, X-LINKED LETHAL INFANTILE; AMC, DISTAL, X-LINKED; Spinal muscular atrophy, X-linked 2; Spinal Muscular Atrophy, X-Linked Infantile. Identifiers: Orphanet 1145, MedGen C1844934, MONDO:0010532, OMIM 301830.

Submission:

Labcorp Genetics (formerly Invitae), Labcorp
Classification: Uncertain significance for Infantile-onset X-linked spinal muscular atrophy. Last evaluated: 2024-09-16. Review status: criteria provided, single submitter. Criteria: Invitae Variant Classification Sherloc (09022015). Collection method: clinical testing. Allele origin: germline.
Comment: This sequence change replaces serine, which is neutral and polar, with phenylalanine, which is neutral and non-polar, at codon 21 of the UBA1 protein (p.Ser21Phe). This variant is not present in population databases (gnomAD no frequency). This variant has not been reported in the literature in individuals affected with UBA1-related conditions. An algorithm developed to predict the effect of missense changes on protein structure and function (PolyPhen-2) suggests that this variant is likely to be tolerated. In summary, the available evidence is currently insufficient to determine the role of this variant in disease. Therefore, it has been classified as a Variant of Uncertain Significance.